The following is an entry in ClinVar:

ClinVar aggregate classification (germline): Likely benign (0 of 4 stars; one submission).

Conditions:
CNBP-related disorder. Also called: CNBP-related condition.

Allele frequency attached by ClinVar (database versions not stated): gnomAD 0.00173.
gnomAD v4.1: 194 of 110,990 alleles (0.17%); highest among the groups gnomAD compares: South Asian, 3.7%; 1 homozygote.

Submission:

PreventionGenetics, part of Exact Sciences
Classification: Likely benign for CNBP-related condition. Last evaluated: 2023-10-23. Review status: no assertion criteria provided. Collection method: clinical testing. Allele origin: germline.
Comment: This variant is classified as likely benign based on ACMG/AMP sequence variant interpretation guidelines (Richards et al. 2015 PMID: 25741868, with internal and published modifications).

NM_003418.5(CNBP):c.-14-963A>T

Gene: CNBP (CCHC-type zinc finger nucleic acid binding protein; minus strand). Cytogenetic location: 3q21.3.
Variant type: single nucleotide variant.
Coding change: c.-14-963A>T on transcript NM_003418.5 (MANE Select); 963 bases into the intron before 14 bases upstream of the start codon, A replaced by T.
Molecular consequence: intron variant.
Genome position (GRCh38, 1-based): chr3:129,172,734, T>A on the plus strand (A>T on the coding strand, the complement: CNBP is on the minus strand). VCF-style: chr3-129172734-T-A. GRCh37 (hg19) VCF-style: chr3-128891577-T-A.
Other names: c.-14-963A>T (NM_001127196.2, NM_001127195.2, NM_001127194.2 and 2 more transcripts).
Identifiers: ClinVar variation 3030076 (VCV003030076.2), dbSNP rs867362489, ClinGen allele CA82587226.
Genomic context (GRCh38, chr3:129,172,734, plus strand): 5'-AGACAGACAGACAGACAGACAGACACACACACACACACACACACACACACACACACACAC[T>A]GGCAGTAATACTCATTCACTCATTCCAAGTCCAACTTAATGGACACATTTGCATGGTTAT-3'